The following is an entry in ClinVar:

ClinVar aggregate classification (germline): Likely pathogenic (1 of 4 stars; one submission).

Conditions:
Deficiency of hydroxymethylglutaryl-CoA lyase (HMGCLD). Also called: HMGCL DEFICIENCY; HYDROXYMETHYLGLUTARIC ACIDURIA; HMG-CoA LYASE DEFICIENCY; Defect in leucine metabolism; 3-hydroxy-3-methylglutaric aciduria. Identifiers: Orphanet 20, MedGen C1533587, MONDO:0009520, OMIM 246450.

Submission:

Myriad Genetics, Inc.
Classification: Likely pathogenic for Deficiency of hydroxymethylglutaryl-CoA lyase. Last evaluated: 2025-06-06. Review status: criteria provided, single submitter. Criteria: Myriad Autosomal Dominant, Autosomal Recessive and X-Linked Classification Criteria (2023). Collection method: clinical testing. Allele origin: unknown.
Comment: NM_000191.2(HMGCL):c.877-1G>A is a variant in a canonical splice site classified as likely pathogenic in the context of HMG-CoA lyase deficiency. c.877-1G>A has not been observed in cases with relevant disease. Relevant functional assessments of this variant are not available in the literature. c.877-1G>A has not been observed in referenced population frequency databases. In summary, NM_000191.2(HMGCL):c.877-1G>A is a variant in a canonical splice site in a gene where loss of function is a known mechanism of disease and is predicted to disrupt protein function. Please note: this variant was assessed in the context of healthy population screening.

NM_000191.3(HMGCL):c.877-1G>A

Gene: HMGCL (3-hydroxy-3-methylglutaryl-CoA lyase; minus strand). Cytogenetic location: 1p36.11.
Variant type: single nucleotide variant.
Coding change: c.877-1G>A on transcript NM_000191.3 (MANE Select); the canonical splice acceptor site of the intron before coding-DNA position 877, G replaced by A.
Molecular consequence: splice acceptor variant.
Genome position (GRCh38, 1-based): chr1:23,802,565, C>T on the plus strand (G>A on the coding strand, the complement: HMGCL is on the minus strand). VCF-style: chr1-23802565-C-T. GRCh37 (hg19) VCF-style: chr1-24129055-C-T.
Other names: c.664-1G>A (NM_001166059.2).
Identifiers: ClinVar variation 4081706 (VCV004081706.1).